The following is an entry in ClinVar:

ClinVar aggregate classification (germline): Likely benign (1 of 4 stars; one submission).

Allele frequency attached by ClinVar (database versions not stated): gnomAD below 0.00001 and 0.00001; TOPMed 0.00001; gnomAD exomes 0.00003 and 0.00005; ExAC 0.00004.

Submission:

GeneDx
Classification: Likely benign. Last evaluated: 2016-02-25. Review status: criteria provided, single submitter. Criteria: GeneDx Variant Classification (06012015). Collection method: clinical testing. Allele origin: germline. Affected: yes.
Comment: This variant is considered likely benign or benign based on one or more of the following criteria: it is a conservative change, it occurs at a poorly conserved position in the protein, it is predicted to be benign by multiple in silico algorithms, and/or has population frequency not consistent with disease.

NM_153741.2(DPM3):c.*2A>G

Gene: DPM3 (dolichyl-phosphate mannosyltransferase subunit 3, regulatory; minus strand). Cytogenetic location: 1q22.
Variant type: single nucleotide variant.
Coding change: c.*2A>G on transcript NM_153741.2 (MANE Select); 2 bases downstream of the stop codon, A replaced by G.
Molecular consequence: 3 prime UTR variant.
Genome position (GRCh38, 1-based): chr1:155,139,960, T>C on the plus strand (A>G on the coding strand, the complement: DPM3 is on the minus strand). VCF-style: chr1-155139960-T-C. GRCh37 (hg19) VCF-style: chr1-155112436-T-C.
Other names: c.*2A>G (NM_018973.4).
Identifiers: ClinVar variation 382791 (VCV000382791.1), dbSNP rs776752576, ClinGen allele CA1138395.